The following is an entry in ClinVar:

NM_000093.5(COL5A1):c.4084C>T (p.Pro1362Ser)

Gene: COL5A1 (collagen type V alpha 1 chain; plus strand). Cytogenetic location: 9q34.3.
Variant type: single nucleotide variant.
Coding change: c.4084C>T on transcript NM_000093.5 (MANE Select); coding-DNA position 4084, C replaced by T.
Protein change: p.Pro1362Ser; replaces proline 1362 with serine.
Molecular consequence: missense variant.
Genome position (GRCh38, 1-based): chr9:134,815,950, C>T. VCF-style: chr9-134815950-C-T. GRCh37 (hg19) VCF-style: chr9-137707796-C-T.
Other names: c.4084C>T, p.Pro1362Ser (NM_001278074.1); short protein forms P1362S.
Identifiers: ClinVar variation 1195418 (VCV001195418.5), dbSNP rs2132856128, ClinGen allele CA375456353.

ClinVar aggregate classification (germline): Uncertain significance. Review status: criteria provided, multiple submitters, no conflicts (2 of 4 stars). 2 submissions from 2 submitters: Uncertain significance (2). Last evaluated 2023-12-19.

Conditions:
Ehlers-Danlos syndrome, classic type, 1 (EDSCL1). Also called: EHLERS-DANLOS SYNDROME, GRAVIS TYPE; EHLERS-DANLOS SYNDROME, SEVERE CLASSIC TYPE; Ehlers-Danlos syndrome, type 1; Ehlers-Danlos Syndrome, Classic Type, COL5A1-Related; EDS I. Identifiers: MedGen C0268335, MONDO:0019567, OMIM 130000.

Allele frequency attached by ClinVar (database versions not stated): gnomAD exomes below 0.00001.
gnomAD v4.1: 6 of 1,614,074 alleles (0.00037%); highest among the groups gnomAD compares: Non-Finnish European, 0.00042%; no homozygotes.

Submissions (2):

Labcorp Genetics (formerly Invitae), Labcorp
Classification: Uncertain significance for Ehlers-Danlos syndrome, classic type, 1. Last evaluated: 2023-12-19. Review status: criteria provided, single submitter. Criteria: Invitae Variant Classification Sherloc (09022015). Collection method: clinical testing. Allele origin: germline.
Comment: This sequence change replaces proline, which is neutral and non-polar, with serine, which is neutral and polar, at codon 1362 of the COL5A1 protein (p.Pro1362Ser). This variant is not present in population databases (gnomAD no frequency). This variant has not been reported in the literature in individuals affected with COL5A1-related conditions. ClinVar contains an entry for this variant (Variation ID: 1195418). Advanced modeling of protein sequence and biophysical properties (such as structural, functional, and spatial information, amino acid conservation, physicochemical variation, residue mobility, and thermodynamic stability) performed at Invitae indicates that this missense variant is not expected to disrupt COL5A1 protein function with a negative predictive value of 95%. In summary, the available evidence is currently insufficient to determine the role of this variant in disease. Therefore, it has been classified as a Variant of Uncertain Significance.

GeneDx
Classification: Uncertain significance. Last evaluated: 2021-05-26. Review status: criteria provided, single submitter. Criteria: GeneDx Variant Classification Process June 2021. Collection method: clinical testing. Allele origin: germline. Affected: yes.
Comment: Has not been previously published as pathogenic or benign to our knowledge; Not observed in large population cohorts (Lek et al., 2016); In silico analysis supports that this missense variant has a deleterious effect on protein structure/function